The following is an entry in ClinVar:

NM_018941.4(CLN8):c.832G>A (p.Gly278Arg)

Gene: CLN8 (CLN8 transmembrane ER and ERGIC protein; plus strand). Cytogenetic location: 8p23.3.
Variant type: single nucleotide variant.
Coding change: c.832G>A on transcript NM_018941.4 (MANE Select); coding-DNA position 832, G replaced by A.
Protein change: p.Gly278Arg; replaces glycine 278 with arginine.
Molecular consequence: missense variant.
Genome position (GRCh38, 1-based): chr8:1,780,538, G>A. VCF-style: chr8-1780538-G-A. GRCh37 (hg19) VCF-style: chr8-1728704-G-A.
Other names: short protein forms G278R.
Identifiers: ClinVar variation 572598 (VCV000572598.6), dbSNP rs1358513612, ClinGen allele CA369954420.

ClinVar aggregate classification (germline): Uncertain significance. Review status: criteria provided, single submitter (1 of 4 stars). 2 submissions from 2 submitters: Uncertain significance (1). 1 of the submissions does not count toward it. Last evaluated 2022-02-19.

Conditions:
Neuronal ceroid lipofuscinosis. Also called: Neuronal Ceroid Lipofuscinoses. Identifiers: Orphanet 216, Orphanet 79263, MedGen C0027877, MONDO:0016295. Disease mechanism: loss of function.
Neuronal ceroid lipofuscinosis 8 (CLN8). Also called: CLN8-Related Neuronal Ceroid-Lipofuscinosis. Identifiers: Orphanet 168491, Orphanet 228354, Orphanet 79264, MedGen C1838570, MONDO:0010830, OMIM 600143.

Allele frequency attached by ClinVar (database versions not stated): gnomAD 0.00001; gnomAD exomes 0.00001; TOPMed 0.00002.

Submissions (2):

Labcorp Genetics (formerly Invitae), Labcorp
Classification: Uncertain significance for Neuronal ceroid lipofuscinosis. Last evaluated: 2022-02-19. Review status: criteria provided, single submitter. Criteria: Invitae Variant Classification Sherloc (09022015). Collection method: clinical testing. Allele origin: germline.
Comment: This sequence change replaces glycine, which is neutral and non-polar, with arginine, which is basic and polar, at codon 278 of the CLN8 protein (p.Gly278Arg). This variant is not present in population databases (gnomAD no frequency). This variant has not been reported in the literature in individuals affected with CLN8-related conditions. ClinVar contains an entry for this variant (Variation ID: 572598). Advanced modeling of protein sequence and biophysical properties (such as structural, functional, and spatial information, amino acid conservation, physicochemical variation, residue mobility, and thermodynamic stability) performed at Invitae indicates that this missense variant is not expected to disrupt CLN8 protein function. In summary, the available evidence is currently insufficient to determine the role of this variant in disease. Therefore, it has been classified as a Variant of Uncertain Significance.

Natera, Inc.
Classification: Uncertain significance for Neuronal ceroid lipofuscinosis 8. Last evaluated: 2020-08-20. Review status: no assertion criteria provided. Collection method: clinical testing. Allele origin: germline. Not counted in ClinVar's aggregate classification.